The following is an entry in ClinVar:

ClinVar aggregate classification (germline): Uncertain significance (1 of 4 stars; one submission).

Conditions:
Hereditary cancer-predisposing syndrome. Also called: Hereditary neoplastic syndrome; Tumor predisposition; Hereditary Cancer Syndrome; Neoplastic Syndromes, Hereditary. Identifiers: Orphanet 140162, MedGen C0027672, MeSH D009386, MONDO:0015356.

gnomAD v4.1: 1 of 1,614,070 alleles (0.000062%); no homozygotes.

Submission:

Ambry Genetics
Classification: Uncertain significance for Hereditary cancer-predisposing syndrome. Last evaluated: 2023-06-25. Review status: criteria provided, single submitter. Criteria: Ambry Variant Classification Scheme 2023. Collection method: clinical testing. Allele origin: germline.
Comment: The p.A2267G variant (also known as c.6800C>G), located in coding exon 15 of the APC gene, results from a C to G substitution at nucleotide position 6800. The alanine at codon 2267 is replaced by glycine, an amino acid with similar properties. This amino acid position is conserved. In addition, in silico predictors for this gene do not accurately predict pathogenicity. Since supporting evidence is limited at this time, the clinical significance of this alteration remains unclear.

NM_000038.6(APC):c.6800C>G (p.Ala2267Gly)

Gene: APC (APC regulator of Wnt signaling pathway; plus strand). Cytogenetic location: 5q22.2.
Variant type: single nucleotide variant.
Coding change: c.6800C>G on transcript NM_000038.6 (MANE Select); coding-DNA position 6800, C replaced by G.
Protein change: p.Ala2267Gly; replaces alanine 2267 with glycine.
Molecular consequence: missense variant. On other transcripts: non-coding transcript variant (2).
Genome position (GRCh38, 1-based): chr5:112,842,394, C>G. VCF-style: chr5-112842394-C-G. GRCh37 (hg19) VCF-style: chr5-112178091-C-G.
Other names: c.6800C>G, p.Ala2267Gly (NM_001127510.3, NM_001354895.2, NM_001407450.1); c.6746C>G, p.Ala2249Gly (NM_001127511.3); c.6854C>G, p.Ala2285Gly (NM_001354896.2, NM_001407447.1, NM_001407448.1 and 1 more transcripts); c.6830C>G, p.Ala2277Gly (NM_001354897.2); c.6725C>G, p.Ala2242Gly (NM_001354898.2); c.6716C>G, p.Ala2239Gly (NM_001354899.2); c.6677C>G, p.Ala2226Gly (NM_001354900.2); c.6623C>G, p.Ala2208Gly (NM_001354901.2, NM_001407453.1); and 11 more; short protein forms A2107G, A2176G, A2184G, A2277G, A2295G, A2138G, A2226G, A2267G.
Identifiers: ClinVar variation 2586994 (VCV002586994.2), dbSNP rs2149973512, ClinGen allele CA16036183.